The following is an entry in ClinVar:

NM_001377299.1(NDUFS2):c.*114A>G

Gene: NDUFS2 (NADH:ubiquinone oxidoreductase core subunit S2; plus strand). Cytogenetic location: 1q23.3.
Variant type: single nucleotide variant.
Coding change: c.*114A>G on transcript NM_001377299.1 (MANE Select); 114 bases downstream of the stop codon, A replaced by G.
Molecular consequence: 3 prime UTR variant. On other transcripts: non-coding transcript variant (1).
Genome position (GRCh38, 1-based): chr1:161,214,307, A>G. VCF-style: chr1-161214307-A-G. GRCh37 (hg19) VCF-style: chr1-161184097-A-G.
Other names: c.*366A>G (NM_001166159.2, NM_001377300.1, NM_001377301.1); c.*114A>G (NM_001377298.1, NM_004550.5); c.*157A>G (NM_001377302.1).
Identifiers: ClinVar variation 293289 (VCV000293289.8), dbSNP rs1136224, ClinGen allele CA10608523.
Genomic context (GRCh38, chr1:161,214,307, plus strand): 5'-GTTCCTCACTGGAAATTGGCCTCTGTGTGTGTGTGTGTGTGTGTGTGTGTGTGTATGTTC[A>G]TGTACACTTGGCTGTCAGGCTTTCTGTGCATGTACTAAAAAAGGAGAAATTATAATAAAT-3'

ClinVar aggregate classification (germline): Benign. Review status: criteria provided, multiple submitters, no conflicts (2 of 4 stars). 4 submissions from 4 submitters: Benign (4). Last evaluated 2023-04-11.

Conditions:
Mitochondrial complex I deficiency, nuclear type 1. Also called: NADH-COENZYME Q REDUCTASE DEFICIENCY; MITOCHONDRIAL NADH DEHYDROGENASE COMPONENT OF COMPLEX I, DEFICIENCY OF. Identifiers: MedGen C6022305, MONDO:0100224, OMIM 252010.
Mitochondrial complex I deficiency, nuclear type 6. Also called: Mitochondrial complex 1 deficiency, nuclear type 6. Identifiers: MedGen C4748759, MONDO:0032611, OMIM 618228.

Allele frequency attached by ClinVar (database versions not stated): TOPMed 0.13251; gnomAD 0.13305 and 0.14166; 1000 Genomes Project 30x 0.17864; 1000 Genomes Project 0.18211; gnomAD exomes 0.19430.
gnomAD v4.1: 167,019 of 900,098 alleles (19%); highest among the groups gnomAD compares: East Asian, 33%; 15,774 homozygotes.

Submissions (4):

Genome-Nilou Lab
Classification: Benign for Mitochondrial complex I deficiency, nuclear type 6. Last evaluated: 2023-04-11. Review status: criteria provided, single submitter. Criteria: ACMG Guidelines, 2015. Collection method: clinical testing. Allele origin: germline. Affected: no.

GeneDx
Classification: Benign. Last evaluated: 2018-06-23. Review status: criteria provided, single submitter. Criteria: GeneDx Variant Classification Process June 2021. Collection method: clinical testing. Allele origin: germline. Affected: yes.

Illumina Laboratory Services, Illumina
Classification: Benign for Mitochondrial complex I deficiency, nuclear type 1. Last evaluated: 2018-01-12. Review status: criteria provided, single submitter. Criteria: ICSL Variant Classification Criteria 13 December 2019. Collection method: clinical testing. Allele origin: germline.
Comment: This variant was observed in the ICSL laboratory as part of a predisposition screen in an ostensibly healthy population. It had not been previously curated by ICSL or reported in the Human Gene Mutation Database (HGMD: prior to June 1st, 2018), and was therefore a candidate for classification through an automated scoring system. Utilizing variant allele frequency, disease prevalence and penetrance estimates, and inheritance mode, an automated score was calculated to assess if this variant is too frequent to cause the disease. Based on the score and internal cut-off values, a variant classified as benign is not then subjected to further curation. The score for this variant resulted in a classification of benign for this disease.

Breakthrough Genomics
Classification: Benign. Review status: criteria provided, single submitter. Criteria: ACMG Guidelines, 2015. Collection method: not provided. Allele origin: germline. Inheritance: Autosomal recessive inheritance. Affected: yes.